The following is an entry in ClinVar:

NM_001378609.3(OTOGL):c.5742del (p.Glu1914fs)

Gene: OTOGL (otogelin like; plus strand). Cytogenetic location: 12q21.31.
Variant type: Deletion.
Coding change: c.5742del on transcript NM_001378609.3 (MANE Select); coding-DNA position 5742, one base deleted (A; older notation c.5742delA).
Protein change: p.Glu1914fs; shifts the reading frame from glutamic acid 1914.
Molecular consequence: frameshift variant.
Genome position (GRCh38, 1-based): chr12:80,355,884, A deleted; the last of 2 consecutive A bases (chr12:80,355,883-80,355,884); deleting either gives the same sequence. VCF-style (leftmost placement, unchanged base first): chr12-80355882-GA-G. GRCh37 (hg19) VCF-style: chr12-80749662-GA-G.
Other names: c.5607del, p.Glu1869fs (NM_001368062.3); c.5742del, p.Glu1914fs (NM_001378610.3, NM_173591.7); short protein forms E1869fs, E1914fs.
Identifiers: ClinVar variation 1071395 (VCV001071395.7), dbSNP rs1173779851, ClinGen allele CA480821785.

ClinVar aggregate classification (germline): Pathogenic (1 of 4 stars; one submission).

Submission:

Labcorp Genetics (formerly Invitae), Labcorp
Classification: Pathogenic. Last evaluated: 2022-04-30. Review status: criteria provided, single submitter. Criteria: Invitae Variant Classification Sherloc (09022015). Collection method: clinical testing. Allele origin: germline.
Comment: This sequence change creates a premature translational stop signal (p.Glu1905Aspfs*42) in the OTOGL gene. It is expected to result in an absent or disrupted protein product. Loss-of-function variants in OTOGL are known to be pathogenic (PMID: 23122586). For these reasons, this variant has been classified as Pathogenic. ClinVar contains an entry for this variant (Variation ID: 1071395). This variant has not been reported in the literature in individuals affected with OTOGL-related conditions. This variant is present in population databases (no rsID available, gnomAD 0.0009%).

Literature cited by the submitters: PubMed 23122586.